The following is an entry in ClinVar:

NM_001009999.3(KDM1A):c.2089C>T (p.Pro697Ser)

Gene: KDM1A (lysine demethylase 1A; plus strand). Cytogenetic location: 1p36.12.
Variant type: single nucleotide variant.
Coding change: c.2089C>T on transcript NM_001009999.3 (MANE Select); coding-DNA position 2089, C replaced by T.
Protein change: p.Pro697Ser; replaces proline 697 with serine.
Molecular consequence: missense variant.
Genome position (GRCh38, 1-based): chr1:23,079,586, C>T. VCF-style: chr1-23079586-C-T. GRCh37 (hg19) VCF-style: chr1-23406079-C-T.
Other names: c.2017C>T, p.Pro673Ser (NM_015013.4, NM_001410763.1); c.2035C>T, p.Pro679Ser (NM_001363654.2); c.2095C>T, p.Pro699Ser (NM_001410762.1); short protein forms P673S, P679S, P697S, P699S.
Identifiers: ClinVar variation 4858739 (VCV004858739.1).
Genomic context (GRCh38, chr1:23,079,586, plus strand): 5'-GGCTCATGTGCTTCTTTCTTATGGTAGGTGGTGTTGTGTTTTGATCGGGTGTTCTGGGAT[C>T]CAAGTGTCAATTTGTTCGGGCATGTTGGCAGTACGACTGCCAGCAGGGGTGAGCTCTTCC-3'
Protein context (NP_001009999.1, residues 687-707): VLCFDRVFWD[Pro697Ser]SVNLFGHVGS

ClinVar aggregate classification (germline): Uncertain significance (1 of 4 stars; one submission).

Conditions:
Inborn genetic diseases. Identifiers: MedGen C0950123, MeSH D030342.

Submission:

Ambry Genetics
Classification: Uncertain significance for Inborn genetic diseases. Last evaluated: 2026-05-16. Review status: criteria provided, single submitter. Criteria: Ambry Variant Classification Scheme 2023. Collection method: clinical testing. Allele origin: germline.
Comment: The p.P697S variant (also known as c.2089C>T), located in coding exon 18 of the KDM1A gene, results from a C to T substitution at nucleotide position 2089. The proline at codon 697 is replaced by serine, an amino acid with similar properties. This amino acid position is conserved. In addition, the in silico prediction for this alteration is inconclusive. Based on the available evidence, the clinical significance of this variant remains unclear.